The following is an entry in ClinVar:

NM_005535.3(IL12RB1):c.1253T>C (p.Ile418Thr)

Gene: IL12RB1 (interleukin 12 receptor subunit beta 1; minus strand). Cytogenetic location: 19p13.11.
Variant type: single nucleotide variant.
Coding change: c.1253T>C on transcript NM_005535.3 (MANE Select); coding-DNA position 1253, T replaced by C.
Protein change: p.Ile418Thr; replaces isoleucine 418 with threonine.
Molecular consequence: missense variant.
Genome position (GRCh38, 1-based): chr19:18,068,463, A>G on the plus strand (T>C on the coding strand, the complement: IL12RB1 is on the minus strand). VCF-style: chr19-18068463-A-G. GRCh37 (hg19) VCF-style: chr19-18179273-A-G.
Other names: c.1253T>C, p.Ile418Thr (NM_001290023.2); c.1373T>C, p.Ile458Thr (NM_001290024.2); short protein forms I418T, I458T.
Identifiers: ClinVar variation 1000264 (VCV001000264.8), dbSNP rs2034760527, ClinGen allele CA404777607.

ClinVar aggregate classification (germline): Uncertain significance (1 of 4 stars; one submission).

Conditions:
Mendelian susceptibility to mycobacterial diseases due to complete IL12RB1 deficiency. Also called: IL12RB1 DEFICIENCY; Immunodeficiency 30. Identifiers: Orphanet 319552, MedGen C4013949, MONDO:0013955, OMIM 614891.

gnomAD v4.1: 1 of 1,612,042 alleles (0.000062%); no homozygotes.

Submission:

Labcorp Genetics (formerly Invitae), Labcorp
Classification: Uncertain significance for Mendelian susceptibility to mycobacterial diseases due to complete IL12RB1 deficiency. Last evaluated: 2022-12-06. Review status: criteria provided, single submitter. Criteria: Invitae Variant Classification Sherloc (09022015). Collection method: clinical testing. Allele origin: germline.
Comment: In summary, the available evidence is currently insufficient to determine the role of this variant in disease. Therefore, it has been classified as a Variant of Uncertain Significance. Advanced modeling of protein sequence and biophysical properties (such as structural, functional, and spatial information, amino acid conservation, physicochemical variation, residue mobility, and thermodynamic stability) performed at Invitae indicates that this missense variant is expected to disrupt IL12RB1 protein function. ClinVar contains an entry for this variant (Variation ID: 1000264). This variant has not been reported in the literature in individuals affected with IL12RB1-related conditions. This variant is not present in population databases (gnomAD no frequency). This sequence change replaces isoleucine, which is neutral and non-polar, with threonine, which is neutral and polar, at codon 418 of the IL12RB1 protein (p.Ile418Thr).